The following is an entry in ClinVar:

ClinVar aggregate classification (germline): Likely benign. Review status: criteria provided, multiple submitters, no conflicts (2 of 4 stars). 4 submissions from 4 submitters: Likely benign (4). Last evaluated 2025-08-29.

Conditions:
Hypokalemic periodic paralysis, type 1. Also called: HypoPP; Hypokalemic Periodic Paralysis Type 1 (AD). Identifiers: Orphanet 681, MedGen C3714580, MONDO:0042979, OMIM 170400.
Malignant hyperthermia, susceptibility to, 5 (MHS5). Also called: CACNA1S-Related Malignant Hyperthermia Susceptibility. Identifiers: Orphanet 423, MedGen C1866077, MONDO:0011163, OMIM 601887.

Allele frequency attached by ClinVar (database versions not stated): gnomAD 0.00002; gnomAD exomes 0.00002 and 0.00003; TOPMed 0.00002; ExAC 0.00005; ESP Exome Variant Server 0.00008.
gnomAD v4.1: 28 of 1,613,124 alleles (0.0017%); highest among the groups gnomAD compares: Non-Finnish European, 0.0023%; no homozygotes.

Submissions (4):

Labcorp Genetics (formerly Invitae), Labcorp
Classification: Likely benign for Hypokalemic periodic paralysis, type 1; Malignant hyperthermia, susceptibility to, 5. Last evaluated: 2025-08-29. Review status: criteria provided, single submitter. Criteria: Invitae Variant Classification Sherloc (09022015). Collection method: clinical testing. Allele origin: germline.

All of Us Research Program, National Institutes of Health
Classification: Likely benign for Malignant hyperthermia, susceptibility to, 5. Last evaluated: 2023-06-26. Review status: criteria provided, single submitter. Criteria: ACMG Guidelines, 2015. Collection method: clinical testing. Allele origin: germline. Inheritance: Autosomal dominant inheritance. Observed: 1 variant allele, 1 heterozygote.
Comment: This study involves interpretation of variants in research participants for the purpose of population health screening. Participant phenotype was not available at the time of variant classification. Additional details can be found in publication PMID: 35346344, PMCID: PMC8962531

Color Diagnostics, LLC DBA Color Health
Classification: Likely benign for Malignant hyperthermia, susceptibility to, 5. Last evaluated: 2022-11-06. Review status: criteria provided, single submitter. Criteria: ACMG Guidelines, 2015. Collection method: clinical testing. Allele origin: germline.

Blueprint Genetics
Classification: Likely benign. Last evaluated: 2021-12-02. Review status: criteria provided, single submitter. Criteria: ACMG Guidelines, 2015. Collection method: clinical testing. Allele origin: germline.

NM_000069.3(CACNA1S):c.1044A>G (p.Gly348=)

Gene: CACNA1S (calcium voltage-gated channel subunit alpha1 S; minus strand). Cytogenetic location: 1q32.1.
Variant type: single nucleotide variant.
Coding change: c.1044A>G on transcript NM_000069.3 (MANE Select); coding-DNA position 1044, A replaced by G.
Protein change: p.Gly348=; no amino-acid change (glycine 348 retained).
Molecular consequence: synonymous variant.
Genome position (GRCh38, 1-based): chr1:201,085,542, T>C on the plus strand (A>G on the coding strand, the complement: CACNA1S is on the minus strand). VCF-style: chr1-201085542-T-C. GRCh37 (hg19) VCF-style: chr1-201054670-T-C.
Identifiers: ClinVar variation 1587625 (VCV001587625.11), dbSNP rs376276490, ClinGen allele CA077922.